The following is an entry in ClinVar:

NM_004667.6(HERC2):c.1852C>G (p.Leu618Val)

Gene: HERC2 (HECT and RLD domain containing E3 ubiquitin protein ligase 2; minus strand). Cytogenetic location: 15q13.1.
Variant type: single nucleotide variant.
Coding change: c.1852C>G on transcript NM_004667.6 (MANE Select); coding-DNA position 1852, C replaced by G.
Protein change: p.Leu618Val; replaces leucine 618 with valine.
Molecular consequence: missense variant.
Genome position (GRCh38, 1-based): chr15:28,265,636, G>C on the plus strand (C>G on the coding strand, the complement: HERC2 is on the minus strand). VCF-style: chr15-28265636-G-C. GRCh37 (hg19) VCF-style: chr15-28510782-G-C.
Other names: short protein forms L618V.
Identifiers: ClinVar variation 4538281 (VCV004538281.1).
Genomic context (GRCh38, chr15:28,265,636, plus strand): 5'-TGTCCTCGTGGGCCTGTCCAGGGTGGCGAGAGCTCTACGTACCGTTCTCAGTGACAGCCA[G>C]GGTTTGAGCATCCCCACTCCCACACGCCACATCGATGACCTTCAGTCCTTTAAGCCCGGC-3'
Protein context (NP_004658.3, residues 608-628): VACGSGDAQT[Leu618Val]AVTENGQVWS

ClinVar aggregate classification (germline): Uncertain significance (1 of 4 stars; one submission).

Submission:

Greenwood Genetic Center Diagnostic Laboratories, Greenwood Genetic Center
Classification: Uncertain significance. Last evaluated: 2025-04-08. Review status: criteria provided, single submitter. Criteria: ACMG Guidelines, 2015. Collection method: clinical testing. Allele origin: germline. Affected: yes.
Comment: Gene of Uncertain Significance